The following is an entry in ClinVar:

ClinVar aggregate classification (germline): Uncertain significance (1 of 4 stars; one submission).

Conditions:
Inborn genetic diseases. Identifiers: MedGen C0950123, MeSH D030342.

Submission:

Ambry Genetics
Classification: Uncertain significance for Inborn genetic diseases. Last evaluated: 2023-10-28. Review status: criteria provided, single submitter. Criteria: Ambry Variant Classification Scheme 2023. Collection method: clinical testing. Allele origin: germline.
Comment: The p.H1928Y variant (also known as c.5782C>T), located in coding exon 40 of the LRRK2 gene, results from a C to T substitution at nucleotide position 5782. The histidine at codon 1928 is replaced by tyrosine, an amino acid with similar properties. This amino acid position is conserved. In addition, the in silico prediction for this alteration is inconclusive. Since supporting evidence is limited at this time, the clinical significance of this alteration remains unclear.

NM_198578.4(LRRK2):c.5782C>T (p.His1928Tyr)

Gene: LRRK2 (leucine rich repeat kinase 2; plus strand). Cytogenetic location: 12q12.
Variant type: single nucleotide variant.
Coding change: c.5782C>T on transcript NM_198578.4 (MANE Select); coding-DNA position 5782, C replaced by T.
Protein change: p.His1928Tyr; replaces histidine 1928 with tyrosine.
Molecular consequence: missense variant.
Genome position (GRCh38, 1-based): chr12:40,334,991, C>T. VCF-style: chr12-40334991-C-T. GRCh37 (hg19) VCF-style: chr12-40728793-C-T.
Other names: short protein forms H1928Y.
Identifiers: ClinVar variation 3229711 (VCV003229711.1), dbSNP rs1945825630, ClinGen allele CA384401884.